The following is an entry in ClinVar:

ClinVar aggregate classification (germline): Uncertain significance (1 of 4 stars; one submission).

Submission:

GeneDx
Classification: Uncertain significance. Last evaluated: 2026-03-13. Review status: criteria provided, single submitter. Criteria: GeneDx Variant Classification Process June 2021. Collection method: clinical testing. Allele origin: germline.
Comment: Not observed at significant frequency in large population cohorts (gnomAD); In silico analysis supports that this missense variant has a deleterious effect on protein structure/function; Has not been previously published as pathogenic or benign to our knowledge

NM_005515.4(MNX1):c.1106C>T (p.Pro369Leu)

Gene: MNX1 (motor neuron and pancreas homeobox 1; minus strand). Cytogenetic location: 7q36.3.
Variant type: single nucleotide variant.
Coding change: c.1106C>T on transcript NM_005515.4 (MANE Select); coding-DNA position 1106, C replaced by T.
Protein change: p.Pro369Leu; replaces proline 369 with leucine.
Molecular consequence: missense variant.
Genome position (GRCh38, 1-based): chr7:157,005,620, G>A on the plus strand (C>T on the coding strand, the complement: MNX1 is on the minus strand). VCF-style: chr7-157005620-G-A. GRCh37 (hg19) VCF-style: chr7-156798314-G-A.
Other names: c.470C>T, p.Pro157Leu (NM_001165255.2); short protein forms P157L, P369L.
Identifiers: ClinVar variation 5008616 (VCV005008616.1).